The following is an entry in ClinVar:

NM_001174150.2(ARL13B):c.986dup (p.Asn330fs)

Gene: ARL13B (ARF like GTPase 13B; plus strand). Cytogenetic location: 3q11.2.
Variant type: Duplication.
Coding change: c.986dup on transcript NM_001174150.2 (MANE Select); coding-DNA position 986, one base duplicated (A; older notation c.986dupA).
Protein change: p.Asn330fs; shifts the reading frame from asparagine 330.
Molecular consequence: frameshift variant. On other transcripts: non-coding transcript variant (2).
Genome position (GRCh38, 1-based): chr3:94,043,202, A duplicated; the last of 3 consecutive A bases (chr3:94,043,200-94,043,202); duplicating any one gives the same sequence. VCF-style (leftmost placement, unchanged base first): chr3-94043199-T-TA. GRCh37 (hg19) VCF-style: chr3-93762043-T-TA.
Other names: c.677dup, p.Asn227fs (NM_001174151.2); c.941dup, p.Asn315fs (NM_001321328.2); c.665dup, p.Asn223fs (NM_144996.4); c.986dup, p.Asn330fs (NM_182896.3); short protein forms N223fs, N227fs, N315fs, N330fs.
Identifiers: ClinVar variation 1076313 (VCV001076313.5), dbSNP rs2107152691, ClinGen allele CA2499216993.

ClinVar aggregate classification (germline): Pathogenic (1 of 4 stars; one submission).

Conditions:
Joubert syndrome 8 (JBTS8). Identifiers: Orphanet 475, MedGen C2676771, MONDO:0012855, OMIM 612291.

Submission:

Labcorp Genetics (formerly Invitae), Labcorp
Classification: Pathogenic for Joubert syndrome 8. Last evaluated: 2020-08-25. Review status: criteria provided, single submitter. Criteria: Invitae Variant Classification Sherloc (09022015). Collection method: clinical testing. Allele origin: germline.
Comment: This sequence change creates a premature translational stop signal (p.Asn330Glufs*2) in the ARL13B gene. It is expected to result in an absent or disrupted protein product. This variant is not present in population databases (ExAC no frequency). This variant has not been reported in the literature in individuals with ARL13B-related conditions. Loss-of-function variants in ARL13B are known to be pathogenic (PMID: 18674751). For these reasons, this variant has been classified as Pathogenic.

Literature cited by the submitters: PubMed 18674751.